The following is an entry in ClinVar:

ClinVar aggregate classification (germline): Pathogenic. Review status: reviewed by expert panel (3 of 4 stars). 6 submissions from 6 submitters: Pathogenic (1). 5 of the submissions do not count toward it. Last evaluated 2016-09-08.

Conditions:
Hereditary breast ovarian cancer syndrome. Also called: Hereditary breast and ovarian cancer syndrome; Hereditary breast and ovarian cancer; Hereditary breast and ovarian cancer syndrome (HBOC); Breast and ovarian cancer; Hereditary breast and/or ovarian cancer syndrome; BRCA1- and BRCA2-Associated Hereditary Breast and Ovarian Cancer. Identifiers: Orphanet 145, MedGen C0677776, MeSH D061325, MONDO:0003582. Disease mechanism: loss of function.
Breast-ovarian cancer, familial, susceptibility to, 2 (BROVCA2). Also called: BRCA2 Hereditary Breast and Ovarian Cancer. Identifiers: Orphanet 145, MedGen C2675520, MONDO:0012933, OMIM 612555. Disease mechanism: loss of function.
Hereditary cancer-predisposing syndrome. Also called: Neoplastic Syndromes, Hereditary; Tumor predisposition; Hereditary Cancer Syndrome; Hereditary neoplastic syndrome. Identifiers: Orphanet 140162, MedGen C0027672, MeSH D009386, MONDO:0015356.

Submissions (6):

Evidence-based Network for the Interpretation of Germline Mutant Alleles (ENIGMA)
Classification: Pathogenic for Breast-ovarian cancer, familial, susceptibility to, 2. Last evaluated: 2016-09-08. Review status: reviewed by expert panel. Criteria: ENIGMA BRCA1/2 Classification Criteria (2015). Collection method: curation. Allele origin: germline.
Comment: Variant allele predicted to encode a truncated non-functional protein.

Labcorp Genetics (formerly Invitae), Labcorp
Classification: Pathogenic for Hereditary breast ovarian cancer syndrome. Last evaluated: 2025-02-17. Review status: criteria provided, single submitter. Criteria: Invitae Variant Classification Sherloc (09022015). Collection method: clinical testing. Allele origin: germline. Not counted in ClinVar's aggregate classification.
Comment: This sequence change creates a premature translational stop signal (p.Tyr57*) in the BRCA2 gene. It is expected to result in an absent or disrupted protein product. Loss-of-function variants in BRCA2 are known to be pathogenic (PMID: 20104584). This variant is not present in population databases (gnomAD no frequency). This premature translational stop signal has been observed in individual(s) with an ovarian tumor and/or breast cancer (PMID: 30322717, 33461583). ClinVar contains an entry for this variant (Variation ID: 51177). For these reasons, this variant has been classified as Pathogenic.

Color Diagnostics, LLC DBA Color Health
Classification: Pathogenic for Hereditary cancer-predisposing syndrome. Last evaluated: 2025-01-28. Review status: criteria provided, single submitter. Criteria: ACMG Guidelines, 2015. Collection method: clinical testing. Allele origin: germline. Not counted in ClinVar's aggregate classification.
Comment: This variant inserts 1 nucleotide in exon 3 of the BRCA2 gene, creating a frameshift and premature translation stop signal. This variant is expected to result in an absent or non-functional protein product. A different variant resulting in a premature stop codon at position 57, c.171C>A (p.Tyr57*) has been reported in be non-functional in a humanized mouse embryonic stem cells that were assayed for cell fitness and sensitivity to DNA damaging agents (PMID: 37713444). This variant has been reported in one family among the CIMBA participants (PMID: 29446198). This variant has not been identified in the general population by the Genome Aggregation Database (gnomAD). Loss of BRCA2 function is a known mechanism of disease. Based on the available evidence, this variant is classified as Pathogenic.

Consortium of Investigators of Modifiers of BRCA1/2 (CIMBA), c/o University of Cambridge
Classification: Pathogenic for Breast-ovarian cancer, familial, susceptibility to, 2. Last evaluated: 2015-10-02. Review status: criteria provided, single submitter. Criteria: CIMBA Mutation Classification guidelines May 2016. Collection method: clinical testing. Allele origin: germline. Not counted in ClinVar's aggregate classification.

Research Molecular Genetics Laboratory, Women's College Hospital, University of Toronto
Classification: Pathogenic for Hereditary breast ovarian cancer syndrome. Last evaluated: 2014-01-31. Review status: no assertion criteria provided. Collection method: research. Allele origin: germline. Affected: yes. Study: The Canadian Open Genetics Repository (COGR). Not counted in ClinVar's aggregate classification.

Breast Cancer Information Core (BIC) (BRCA2)
Classification: Pathogenic for Breast-ovarian cancer, familial 2. Last evaluated: 2003-12-23. Review status: no assertion criteria provided. Collection method: clinical testing. Allele origin: germline. Affected: yes. Observed: 1 variant allele. Not counted in ClinVar's aggregate classification.

Literature cited by the submitters: PubMed 20104584 (cited by Labcorp Genetics (formerly Invitae), Labcorp); PubMed 30322717 (cited by Labcorp Genetics (formerly Invitae), Labcorp); PubMed 33461583 (cited by Labcorp Genetics (formerly Invitae), Labcorp); PubMed 29446198 (cited by Color Diagnostics, LLC DBA Color Health); PubMed 37713444 (cited by Color Diagnostics, LLC DBA Color Health).

NM_000059.4(BRCA2):c.170dup (p.Tyr57Ter)

Gene: BRCA2 (BRCA2 DNA repair associated; plus strand). Cytogenetic location: 13q13.1.
Variant type: Duplication.
Coding change: c.170dup on transcript NM_000059.4 (MANE Select); coding-DNA position 170, one base duplicated (A; older notation c.170dupA).
Protein change: p.Tyr57Ter; replaces tyrosine 57 with a stop codon.
Molecular consequence: nonsense.
Genome position (GRCh38, 1-based): chr13:32,319,179, A duplicated. VCF-style (leftmost placement, unchanged base first): chr13-32319178-T-TA. GRCh37 (hg19) VCF-style: chr13-32893315-T-TA.
Other names: 398insA; c.170dupA (NM_000059.3); short protein forms Y57*.
Identifiers: ClinVar variation 51177 (VCV000051177.8), dbSNP rs80359299, ClinGen allele CA012940.